The following is an entry in ClinVar:

NC_000019.9:g.(?_17927663)_(17983505_?)dup

Genes: RPL18A (ribosomal protein L18a; plus strand), INSL3 (insulin like 3; minus strand), JAK3 (Janus kinase 3; minus strand), SLC5A5 (solute carrier family 5 member 5; plus strand). Cytogenetic location: 19p13.11.
Variant type: Duplication.
Identifiers: ClinVar variation 1409213 (VCV001409213.4).

ClinVar aggregate classification (germline): Uncertain significance (1 of 4 stars; one submission).

Conditions:
T-B+ severe combined immunodeficiency due to JAK3 deficiency. Also called: SCID, autosomal recessive, T-negative/B-positive type; SCID, T CELL-NEGATIVE, B CELL-POSITIVE, NK CELL-NEGATIVE. Identifiers: Orphanet 35078, MedGen C1833275, MONDO:0010938, OMIM 600802.

Submission:

Labcorp Genetics (formerly Invitae), Labcorp
Classification: Uncertain significance for T-B+ severe combined immunodeficiency due to JAK3 deficiency. Last evaluated: 2022-03-19. Review status: criteria provided, single submitter. Criteria: Invitae Variant Classification Sherloc (09022015). Collection method: clinical testing. Allele origin: germline.
Comment: A copy number gain of the genomic region encompassing the full coding sequence of the JAK3 gene has been identified. The boundaries of this event are unknown as they extend beyond the assayed region for this gene and therefore may encompass additional genes. As the precise location of this event is unknown, it may be in tandem or it may be located elsewhere in the genome. This variant has not been reported in the literature in individuals affected with JAK3-related conditions. In summary, the available evidence is currently insufficient to determine the role of this variant in disease. Therefore, it has been classified as a Variant of Uncertain Significance.